The following is an entry in ClinVar:

ClinVar aggregate classification (germline): Uncertain significance. Review status: criteria provided, multiple submitters, no conflicts (2 of 4 stars). 3 submissions from 3 submitters: Uncertain significance (3). Last evaluated 2024-02-25.

Submissions (3):

Labcorp Genetics (formerly Invitae), Labcorp
Classification: Uncertain significance. Last evaluated: 2024-02-25. Review status: criteria provided, single submitter. Criteria: Invitae Variant Classification Sherloc (09022015). Collection method: clinical testing. Allele origin: germline.
Comment: This sequence change replaces serine, which is neutral and polar, with proline, which is neutral and non-polar, at codon 647 of the SLC12A6 protein (p.Ser647Pro). This variant is not present in population databases (gnomAD no frequency). This missense change has been observed in individuals with clinical features of Charcot-Marie-Tooth disease (PMID: 35733399; Invitae). ClinVar contains an entry for this variant (Variation ID: 245829). Advanced modeling of protein sequence and biophysical properties (such as structural, functional, and spatial information, amino acid conservation, physicochemical variation, residue mobility, and thermodynamic stability) performed at Invitae indicates that this missense variant is expected to disrupt SLC12A6 protein function with a positive predictive value of 80%. In summary, the available evidence is currently insufficient to determine the role of this variant in disease. Therefore, it has been classified as a Variant of Uncertain Significance.

Mayo Clinic Laboratories, Mayo Clinic
Classification: Uncertain significance. Last evaluated: 2022-04-14. Review status: criteria provided, single submitter. Criteria: ACMG Guidelines, 2015. Collection method: clinical testing. Allele origin: germline. Observed: 1 variant allele.
Comment: PP3, PM2

GeneDx
Classification: Uncertain significance. Last evaluated: 2019-08-05. Review status: criteria provided, single submitter. Criteria: GeneDx Variant Classification Process June 2021. Collection method: clinical testing. Allele origin: germline. Affected: yes.
Comment: Not observed in large population cohorts (Lek et al., 2016); In silico analysis, which includes protein predictors and evolutionary conservation, supports a deleterious effect; Has not been previously published as pathogenic or benign to our knowledge

Literature cited by the submitters: PubMed 35733399 (cited by Labcorp Genetics (formerly Invitae), Labcorp).

NM_001365088.1(SLC12A6):c.1939T>C (p.Ser647Pro)

Gene: SLC12A6 (solute carrier family 12 member 6; minus strand). Cytogenetic location: 15q14.
Variant type: single nucleotide variant.
Coding change: c.1939T>C on transcript NM_001365088.1 (MANE Select); coding-DNA position 1939, T replaced by C.
Protein change: p.Ser647Pro; replaces serine 647 with proline.
Molecular consequence: missense variant.
Genome position (GRCh38, 1-based): chr15:34,245,289, A>G on the plus strand (T>C on the coding strand, the complement: SLC12A6 is on the minus strand). VCF-style: chr15-34245289-A-G. GRCh37 (hg19) VCF-style: chr15-34537490-A-G.
Other names: p.Ser647Pro; c.1939T>C, p.Ser647Pro (NM_133647.2); c.1762T>C, p.Ser588Pro (NM_001042494.2, NM_001042495.2); c.1912T>C, p.Ser638Pro (NM_001042496.2); c.1894T>C, p.Ser632Pro (NM_001042497.2); c.1786T>C, p.Ser596Pro (NM_005135.2); short protein forms S596P, S647P, S632P, S638P, S588P.
Identifiers: ClinVar variation 245829 (VCV000245829.6), dbSNP rs879253966, ClinGen allele CA10584494.